The following is an entry in ClinVar:

NM_000238.4(KCNH2):c.3368G>A (p.Gly1123Glu)

Gene: KCNH2 (potassium voltage-gated channel subfamily H member 2; minus strand). Cytogenetic location: 7q36.1.
Variant type: single nucleotide variant.
Coding change: c.3368G>A on transcript NM_000238.4 (MANE Select); coding-DNA position 3368, G replaced by A.
Protein change: p.Gly1123Glu; replaces glycine 1123 with glutamic acid.
Molecular consequence: missense variant. On other transcripts: non-coding transcript variant (2).
Genome position (GRCh38, 1-based): chr7:150,945,477, C>T on the plus strand (G>A on the coding strand, the complement: KCNH2 is on the minus strand). VCF-style: chr7-150945477-C-T. GRCh37 (hg19) VCF-style: chr7-150642565-C-T.
Other names: c.3080G>A, p.Gly1027Glu (NM_001406753.1); c.2348G>A, p.Gly783Glu (NM_172057.3); short protein forms G1027E, G1123E, G783E.
Identifiers: ClinVar variation 3071392 (VCV003071392.4), dbSNP rs1800856959, ClinGen allele CA369851556.
Genomic context (GRCh38, chr7:150,945,477, plus strand): 5'-CCCAGCTGGCCCGGTAGGGAGAGGCGTCGTGTGGGGCCTTCTTGGGGAAGCTCTGGGGCC[C>T]CCGGGGGCAGCTCCTCACACGCCATGAACTGGGAAACCTGCAATACACACAGAGCATGGG-3'
Protein context (NP_000229.1, residues 1113-1133): QFMACEELPP[Gly1123Glu]APELPQEGPT

ClinVar aggregate classification (germline): Uncertain significance. Review status: criteria provided, multiple submitters, no conflicts (2 of 4 stars). 3 submissions from 3 submitters: Uncertain significance (3). Last evaluated 2024-08-06.

Conditions:
Long QT syndrome (LQTS). Identifiers: MedGen C0023976, MeSH D008133, MONDO:0002442. Disease mechanism: loss of function. Inheritance: Various modes of inheritance.

Submissions (3):

All of Us Research Program, National Institutes of Health
Classification: Uncertain significance for Long QT syndrome. Last evaluated: 2024-08-06. Review status: criteria provided, single submitter. Criteria: ACMG Guidelines, 2015. Collection method: clinical testing. Allele origin: germline. Inheritance: Autosomal dominant inheritance. Observed: 2 variant alleles, 2 heterozygotes.
Comment: This study involves interpretation of variants in research participants for the purpose of population health screening. Participant phenotype was not available at the time of variant classification. Additional details can be found in publication PMID: 35346344, PMCID: PMC8962531

Labcorp Genetics (formerly Invitae), Labcorp
Classification: Uncertain significance for Long QT syndrome. Last evaluated: 2024-04-10. Review status: criteria provided, single submitter. Criteria: Invitae Variant Classification Sherloc (09022015). Collection method: clinical testing. Allele origin: germline.
Comment: This sequence change replaces glycine, which is neutral and non-polar, with glutamic acid, which is acidic and polar, at codon 1123 of the KCNH2 protein (p.Gly1123Glu). This variant is not present in population databases (gnomAD no frequency). This variant has not been reported in the literature in individuals affected with KCNH2-related conditions. An algorithm developed to predict the effect of missense changes on protein structure and function (PolyPhen-2) suggests that this variant is likely to be disruptive. In summary, the available evidence is currently insufficient to determine the role of this variant in disease. Therefore, it has been classified as a Variant of Uncertain Significance.

Blueprint Genetics
Classification: Uncertain significance. Last evaluated: 2018-05-24. Review status: criteria provided, single submitter. Criteria: ACMG Guidelines, 2015. Collection method: clinical testing. Allele origin: germline.